The following is an entry in ClinVar:

ClinVar aggregate classification (germline): Pathogenic/Likely pathogenic. Review status: criteria provided, multiple submitters, no conflicts (2 of 4 stars). 4 submissions from 4 submitters: Pathogenic (3); Likely pathogenic (1). Last evaluated 2023-07-20.

Conditions:
Hereditary cancer-predisposing syndrome. Also called: Neoplastic Syndromes, Hereditary; Tumor predisposition; Hereditary Cancer Syndrome; Hereditary neoplastic syndrome. Identifiers: Orphanet 140162, MedGen C0027672, MeSH D009386, MONDO:0015356.
Hereditary breast ovarian cancer syndrome. Also called: Hereditary breast and ovarian cancer; Hereditary breast and ovarian cancer syndrome (HBOC); BRCA1- and BRCA2-Associated Hereditary Breast and Ovarian Cancer; Hereditary breast and ovarian cancer syndrome; Hereditary breast and/or ovarian cancer syndrome; Breast and ovarian cancer. Identifiers: Orphanet 145, MedGen C0677776, MeSH D061325, MONDO:0003582. Disease mechanism: loss of function.

Submissions (4):

GeneDx
Classification: Pathogenic. Last evaluated: 2023-07-20. Review status: criteria provided, single submitter. Criteria: GeneDx Variant Classification Process June 2021. Collection method: clinical testing. Allele origin: germline. Affected: yes.
Comment: Frameshift variant predicted to result in protein truncation or nonsense mediated decay in a gene for which loss of function is a known mechanism of disease; Not observed at significant frequency in large population cohorts (gnomAD); Truncating variants in this gene are considered pathogenic by a well-established clinical consortium and/or database; Has not been previously published as pathogenic or benign to our knowledge; Also known as 9169_9172del

Ambry Genetics
Classification: Pathogenic for Hereditary cancer-predisposing syndrome. Last evaluated: 2023-03-03. Review status: criteria provided, single submitter. Criteria: Ambry Variant Classification Scheme 2023. Collection method: clinical testing. Allele origin: germline.
Comment: The c.8941_8944delGAAA pathogenic mutation, located in coding exon 21 of the BRCA2 gene, results from a deletion of 4 nucleotides at nucleotide positions 8941 to 8944, causing a translational frameshift with a predicted alternate stop codon (p.E2981Kfs*6). This variant is considered to be rare based on population cohorts in the Genome Aggregation Database (gnomAD). This alteration is expected to result in loss of function by premature protein truncation or nonsense-mediated mRNA decay. As such, this alteration is interpreted as a disease-causing mutation.

Quest Diagnostics Nichols Institute San Juan Capistrano
Classification: Likely pathogenic. Last evaluated: 2021-05-28. Review status: criteria provided, single submitter. Criteria: Quest Diagnostics criteria. Collection method: clinical testing. Allele origin: unknown.
Comment: This frameshift variant is predicted to cause the premature termination of BRCA2 protein synthesis. To the best of our knowledge, the variant has not been reported in the published literature. This variant has not been reported in large, multi-ethnic general populations. Based on the available information, the variant is classified as likely pathogenic.

Labcorp Genetics (formerly Invitae), Labcorp
Classification: Pathogenic for Hereditary breast ovarian cancer syndrome. Last evaluated: 2020-07-02. Review status: criteria provided, single submitter. Criteria: Invitae Variant Classification Sherloc (09022015). Collection method: clinical testing. Allele origin: germline.
Comment: This sequence change creates a premature translational stop signal (p.Glu2981Lysfs*6) in the BRCA2 gene. It is expected to result in an absent or disrupted protein product. This variant is not present in population databases (ExAC no frequency). This variant has not been reported in the literature in individuals with BRCA2-related disease. Loss-of-function variants in BRCA2 are known to be pathogenic (PMID: 20104584). For these reasons, this variant has been classified as Pathogenic.

Literature cited by the submitters: PubMed 20104584 (cited by Labcorp Genetics (formerly Invitae), Labcorp).

NM_000059.4(BRCA2):c.8941_8944del (p.Glu2981fs)

Gene: BRCA2 (BRCA2 DNA repair associated; plus strand). Cytogenetic location: 13q13.1.
Variant type: Deletion.
Coding change: c.8941_8944del on transcript NM_000059.4 (MANE Select); coding-DNA positions 8941 to 8944, 4 bases deleted (GAAA; older notation c.8941_8944delGAAA).
Protein change: p.Glu2981fs; shifts the reading frame from glutamic acid 2981.
Molecular consequence: frameshift variant.
Genome position (GRCh38, 1-based): chr13:32,379,503-32,379,506, GAAA deleted; deleting any 4 consecutive bases within chr13:32,379,500-32,379,506 gives the same sequence; the c. name uses the placement nearest the transcript's 3' end. VCF-style (leftmost placement, unchanged base first): chr13-32379499-AAAAG-A. GRCh37 (hg19) VCF-style: chr13-32953636-AAAAG-A.
Other names: c.8941_8944delGAAA (NM_000059.3); short protein forms E2981fs.
Identifiers: ClinVar variation 640577 (VCV000640577.10), dbSNP rs1593936980, ClinGen allele CA915948614.
Genomic context (GRCh38, chr13:32,379,499, plus strand): 5'-ACAAGGTTTATCAAGGGATGTCACAACCGTGTGGAAGTTGCGTATTGTAAGCTATTCAAA[AAAAG>A]AAAAAGATTCAGGTAAGTATGTAAATGCTTTGTTTTTATCAGTTTTATTAACTTAAAAAA-3'